The following is an entry in ClinVar:

NM_025137.4(SPG11):c.6893T>C (p.Ile2298Thr)

Gene: SPG11 (SPG11 vesicle trafficking associated, spatacsin; minus strand). Cytogenetic location: 15q21.1.
Variant type: single nucleotide variant.
Coding change: c.6893T>C on transcript NM_025137.4 (MANE Select); coding-DNA position 6893, T replaced by C.
Protein change: p.Ile2298Thr; replaces isoleucine 2298 with threonine.
Molecular consequence: missense variant.
Genome position (GRCh38, 1-based): chr15:44,565,960, A>G on the plus strand (T>C on the coding strand, the complement: SPG11 is on the minus strand). VCF-style: chr15-44565960-A-G. GRCh37 (hg19) VCF-style: chr15-44858158-A-G.
Other names: c.6893T>C (NM_025137.3); c.6554T>C, p.Ile2185Thr (NM_001160227.2); short protein forms I2298T, I2185T.
Identifiers: ClinVar variation 1484538 (VCV001484538.4), dbSNP rs1452765602, ClinGen allele CA392213263.

ClinVar aggregate classification (germline): Uncertain significance. Review status: criteria provided, multiple submitters, no conflicts (2 of 4 stars). 2 submissions from 2 submitters: Uncertain significance (2). Last evaluated 2025-07-14.

Conditions:
SPG11-related disorder. Also called: SPG11-related condition.
Hereditary spastic paraplegia 11. Also called: Nakamura Osame syndrome; Autosomal recessive hereditary spastic paraplegia, mental impairment, and thin corpus callosum; Spastic paraplegia, mental retardation and thin corpus callosum; SPASTIC PARAPLEGIA, AUTOSOMAL RECESSIVE, COMPLICATED, WITH THIN CORPUS CALLOSUM; SPASTIC PARAPLEGIA, AUTOSOMAL RECESSIVE, WITH MENTAL IMPAIRMENT AND THIN CORPUS CALLOSUM; Spastic Paraplegia 11. Identifiers: Orphanet 2822, MedGen C1858479, MONDO:0011445, OMIM 604360.

Allele frequency attached by ClinVar (database versions not stated): gnomAD exomes below 0.00001; gnomAD 0.00001; TOPMed 0.00001.
gnomAD v4.1: 2 of 1,613,888 alleles (0.00012%); highest among the groups gnomAD compares: Non-Finnish European, 0.00017%; no homozygotes.

Submissions (2):

PreventionGenetics, part of Exact Sciences
Classification: Uncertain significance for SPG11-related condition. Last evaluated: 2025-07-14. Review status: criteria provided, single submitter. Criteria: ACMG Guidelines, 2015. Collection method: clinical testing. Allele origin: germline.
Comment: The SPG11 c.6893T>C variant is predicted to result in the amino acid substitution p.Ile2298Thr. To our knowledge, this variant has not been reported in the literature or in a large population database (gnomAD), indicating this variant is rare. At this time, the clinical significance of this variant is uncertain due to the absence of conclusive functional and genetic evidence.

Labcorp Genetics (formerly Invitae), Labcorp
Classification: Uncertain significance for Hereditary spastic paraplegia 11. Last evaluated: 2022-06-29. Review status: criteria provided, single submitter. Criteria: Invitae Variant Classification Sherloc (09022015). Collection method: clinical testing. Allele origin: germline.
Comment: This sequence change replaces isoleucine, which is neutral and non-polar, with threonine, which is neutral and polar, at codon 2298 of the SPG11 protein (p.Ile2298Thr). This variant is not present in population databases (gnomAD no frequency). This variant has not been reported in the literature in individuals affected with SPG11-related conditions. Algorithms developed to predict the effect of missense changes on protein structure and function (SIFT, PolyPhen-2, Align-GVGD) all suggest that this variant is likely to be disruptive. In summary, the available evidence is currently insufficient to determine the role of this variant in disease. Therefore, it has been classified as a Variant of Uncertain Significance.